The following is an entry in ClinVar:

ClinVar aggregate classification (germline): Pathogenic. Review status: criteria provided, multiple submitters, no conflicts (2 of 4 stars). 6 submissions from 6 submitters: Pathogenic (5). 1 of the submissions does not count toward it. Last evaluated 2025-12-11.

Conditions:
DARS2-related disorder. Also called: DARS2-related condition.
Leukoencephalopathy with brain stem and spinal cord involvement-high lactate syndrome (LBSL). Also called: LEUKOENCEPHALOPATHY WITH BRAINSTEM AND SPINAL CORD INVOLVEMENT AND LACTATE ELEVATION, MILD; Leukoencephalopathy with Brainstem and Spinal Cord Involvement and Lactate Elevation; MITOCHONDRIAL ASPARTYL-tRNA SYNTHETASE DEFICIENCY. Identifiers: Orphanet 137898, MedGen C1970180, MONDO:0012622, OMIM 611105.

Allele frequency attached by ClinVar (database versions not stated): gnomAD exomes 0.00001; TOPMed 0.00001.

Submissions (6):

PreventionGenetics, part of Exact Sciences
Classification: Pathogenic for DARS2-related condition. Last evaluated: 2025-12-11. Review status: criteria provided, single submitter. Criteria: ACMG Guidelines, 2015. Collection method: clinical testing. Allele origin: germline.
Comment: The DARS2 c.787C>T variant is predicted to result in premature protein termination (p.Arg263*). This variant has been reported in an individual with leukoencephalopathy with brain and spine involvement and lactate elevation (Scheper et al. 2007. PubMed ID: 17384640). This variant has not been reported in a large population database (gnomAD), indicating this variant is rare. Nonsense variants in DARS2 are expected to be pathogenic. This variant is interpreted as pathogenic.

Broad Center for Mendelian Genomics, Broad Institute of MIT and Harvard
Classification: Pathogenic for Leukoencephalopathy with brain stem and spinal cord involvement-high lactate syndrome. Last evaluated: 2025-01-21. Review status: criteria provided, single submitter. Criteria: ACMG Guidelines, 2015. Collection method: curation. Allele origin: germline. Inheritance: Autosomal recessive inheritance.
Comment: The p.Arg263Ter variant in DARS2 has been reported in two siblings with leukoencephalopathy with brain stem and spinal cord involvement-high lactate syndrome (PMID: 17384640, 24566671), and has been identified in 0.001% (17/1179296) of European (non-Finnish) chromosomes by the Genome Aggregation Database (gnomAD; dbSNP rs121918206). Although this variant has been seen in the general population in a heterozygous state, its frequency is low enough to be consistent with a recessive carrier frequency. This variant has also been reported in ClinVar (Variation ID: 1059) and has been interpreted as pathogenic by OMIM, Invitae, GeneDx, and Genome-Nilou Lab. In vitro functional studies provide some evidence that the p.Arg263Ter variant may impact protein function (PMID: 24566671). However, these types of assays may not accurately represent biological function. This nonsense variant leads to a premature termination codon at position 263, which is predicted to lead to a truncated or absent protein. Loss of function of the DARS2 gene is an established disease mechanism in autosomal recessive leukoencephalopathy with brain stem and spinal cord involvement-high lactate syndrome. In summary, although additional studies are required to fully establish its clinical significance, this variant is likely pathogenic for autosomal recessive leukoencephalopathy with brain stem and spinal cord involvement-high lactate syndrome. ACMG/AMP Criteria applied: PVS1, PM2_supporting, PS3_moderate (Richards 2015).

Genome-Nilou Lab
Classification: Pathogenic for Leukoencephalopathy with brain stem and spinal cord involvement-high lactate syndrome. Last evaluated: 2023-04-11. Review status: criteria provided, single submitter. Criteria: ACMG Guidelines, 2015. Collection method: clinical testing. Allele origin: germline. Affected: no.

GeneDx
Classification: Pathogenic. Last evaluated: 2023-02-13. Review status: criteria provided, single submitter. Criteria: GeneDx Variant Classification Process June 2021. Collection method: clinical testing. Allele origin: germline. Affected: yes.
Comment: Nonsense variant predicted to result in protein truncation or nonsense mediated decay in a gene for which loss-of-function is a known mechanism of disease; Not observed in large population cohorts (gnomAD); This variant is associated with the following publications: (PMID: 25525159, 17384640, 26620921, 24566671)

Labcorp Genetics (formerly Invitae), Labcorp
Classification: Pathogenic. Last evaluated: 2022-04-11. Review status: criteria provided, single submitter. Criteria: Invitae Variant Classification Sherloc (09022015). Collection method: clinical testing. Allele origin: germline.
Comment: This sequence change creates a premature translational stop signal (p.Arg263*) in the DARS2 gene. It is expected to result in an absent or disrupted protein product. Loss-of-function variants in DARS2 are known to be pathogenic (PMID: 17384640, 24566671). This variant is not present in population databases (gnomAD no frequency). This premature translational stop signal has been observed in individual(s) with leukoencephalopathy (PMID: 17384640). ClinVar contains an entry for this variant (Variation ID: 1059). For these reasons, this variant has been classified as Pathogenic.

OMIM
Classification: Pathogenic for LEUKOENCEPHALOPATHY WITH BRAINSTEM AND SPINAL CORD INVOLVEMENT AND LACTATE ELEVATION. Last evaluated: 2007-04-01. Review status: no assertion criteria provided. Collection method: literature only. Allele origin: germline. Not counted in ClinVar's aggregate classification.

Literature cited by the submitters: PubMed 24566671 (cited by Broad Center for Mendelian Genomics, Broad Institute of MIT and Harvard and Labcorp Genetics (formerly Invitae), Labcorp); PubMed 17384640 (cited by Labcorp Genetics (formerly Invitae), Labcorp and OMIM).

NM_018122.5(DARS2):c.787C>T (p.Arg263Ter)

Gene: DARS2 (aspartyl-tRNA synthetase 2, mitochondrial; plus strand). Cytogenetic location: 1q25.1.
Variant type: single nucleotide variant.
Coding change: c.787C>T on transcript NM_018122.5 (MANE Select); coding-DNA position 787, C replaced by T.
Protein change: p.Arg263Ter; replaces arginine 263 with a stop codon.
Molecular consequence: nonsense.
Genome position (GRCh38, 1-based): chr1:173,838,206, C>T. VCF-style: chr1-173838206-C-T. GRCh37 (hg19) VCF-style: chr1-173807344-C-T.
Other names: NM_018122.5(DARS2):c.787C>T; p.Arg263Ter; c.787C>T (NM_018122.4); c.787C>T, p.Arg263Ter (NM_001365212.1, NM_001365213.2); short protein forms R263*.
Identifiers: ClinVar variation 1059 (VCV000001059.10), dbSNP rs121918206, ClinGen allele CA251677.